The following is an entry in ClinVar:

ClinVar aggregate classification (germline): Uncertain significance. Review status: criteria provided, multiple submitters, no conflicts (2 of 4 stars). 3 submissions from 3 submitters: Uncertain significance (3). Last evaluated 2026-01-06.

Conditions:
Arrhythmogenic right ventricular dysplasia 13. Also called: ARRHYTHMOGENIC RIGHT VENTRICULAR CARDIOMYOPATHY 13; Arrhythmogenic right ventricular dysplasia, familial, 13. Identifiers: MedGen C3810138, MONDO:0000908, OMIM 615616.

Allele frequency attached by ClinVar (database versions not stated): TOPMed 0.00001; gnomAD exomes 0.00003.
gnomAD v4.1: 38 of 1,613,820 alleles (0.0024%); highest among the groups gnomAD compares: East Asian, 0.029%; no homozygotes.

Submissions (3):

Ambry Genetics
Classification: Uncertain significance. Last evaluated: 2026-01-06. Review status: criteria provided, single submitter. Criteria: Ambry Variant Classification Scheme 2023. Collection method: clinical testing. Allele origin: germline.
Comment: The p.T88M variant (also known as c.263C>T), located in coding exon 2 of the CTNNA3 gene, results from a C to T substitution at nucleotide position 263. The threonine at codon 88 is replaced by methionine, an amino acid with similar properties. This amino acid position is conserved. In addition, this alteration is predicted to be tolerated by in silico analysis. Based on the available evidence, the clinical significance of this variant remains unclear.

Blueprint Genetics
Classification: Uncertain significance. Last evaluated: 2023-09-29. Review status: criteria provided, single submitter. Criteria: ACMG Guidelines, 2015. Collection method: clinical testing. Allele origin: germline.

Labcorp Genetics (formerly Invitae), Labcorp
Classification: Uncertain significance for Arrhythmogenic right ventricular dysplasia 13. Last evaluated: 2022-01-03. Review status: criteria provided, single submitter. Criteria: Invitae Variant Classification Sherloc (09022015). Collection method: clinical testing. Allele origin: germline.
Comment: In summary, the available evidence is currently insufficient to determine the role of this variant in disease. Therefore, it has been classified as a Variant of Uncertain Significance. Algorithms developed to predict the effect of missense changes on protein structure and function are either unavailable or do not agree on the potential impact of this missense change (SIFT: "Tolerated"; PolyPhen-2: "Possibly Damaging"; Align-GVGD: "Class C0"). This variant has not been reported in the literature in individuals affected with CTNNA3-related conditions. This variant is present in population databases (no rsID available, gnomAD 0.01%). This sequence change replaces threonine, which is neutral and polar, with methionine, which is neutral and non-polar, at codon 88 of the CTNNA3 protein (p.Thr88Met).

NM_013266.4(CTNNA3):c.263C>T (p.Thr88Met)

Gene: CTNNA3 (catenin alpha 3; minus strand). Cytogenetic location: 10q21.3.
Variant type: single nucleotide variant.
Coding change: c.263C>T on transcript NM_013266.4 (MANE Select); coding-DNA position 263, C replaced by T.
Protein change: p.Thr88Met; replaces threonine 88 with methionine.
Molecular consequence: missense variant.
Genome position (GRCh38, 1-based): chr10:67,606,886, G>A on the plus strand (C>T on the coding strand, the complement: CTNNA3 is on the minus strand). VCF-style: chr10-67606886-G-A. GRCh37 (hg19) VCF-style: chr10-69366644-G-A.
Other names: c.263C>T, p.Thr88Met (NM_001127384.3); c.299C>T, p.Thr100Met (NM_001291133.2); c.263C>T (NM_013266.2); short protein forms T100M, T88M.
Identifiers: ClinVar variation 2143160 (VCV002143160.7), dbSNP rs1336450383, ClinGen allele CA377098126.